The following is an entry in ClinVar:

NM_024537.4(CARS2):c.112C>T (p.Arg38Cys)

Genes: CARS2 (cysteinyl-tRNA synthetase 2, mitochondrial; minus strand), LOC130010127 (ATAC-STARR-seq lymphoblastoid silent region 5509; plus strand). Cytogenetic location: 13q34.
Variant type: single nucleotide variant.
Coding change: c.112C>T on transcript NM_024537.4 (MANE Select); coding-DNA position 112, C replaced by T.
Protein change: p.Arg38Cys; replaces arginine 38 with cysteine.
Molecular consequence: missense variant. On other transcripts: non-coding transcript variant (1), intron variant (1).
Genome position (GRCh38, 1-based): chr13:110,705,982, G>A on the plus strand (C>T on the coding strand, the complement: CARS2 is on the minus strand). VCF-style: chr13-110705982-G-A. GRCh37 (hg19) VCF-style: chr13-111358329-G-A.
Other names: c.112C>T, p.Arg38Cys (NM_001352253.3); c.-776+389C>T (NM_001352252.2); short protein forms R38C.
Identifiers: ClinVar variation 1357117 (VCV001357117.8), dbSNP rs776199362, ClinGen allele CA388743295.

ClinVar aggregate classification (germline): Uncertain significance. Review status: criteria provided, multiple submitters, no conflicts (2 of 4 stars). 2 submissions from 2 submitters: Uncertain significance (2). Last evaluated 2025-12-01.

Conditions:
Combined oxidative phosphorylation defect type 27. Also called: Combined oxidative phosphorylation deficiency 27. Identifiers: Orphanet 477774, MedGen C5567608, MONDO:0014728, OMIM 616672.

Allele frequency attached by ClinVar (database versions not stated): TOPMed 0.00001.

Submissions (2):

Labcorp Genetics (formerly Invitae), Labcorp
Classification: Uncertain significance for Combined oxidative phosphorylation defect type 27. Last evaluated: 2025-12-01. Review status: criteria provided, single submitter. Criteria: Invitae Variant Classification Sherloc (09022015). Collection method: clinical testing. Allele origin: germline.
Comment: This sequence change replaces arginine, which is basic and polar, with cysteine, which is neutral and slightly polar, at codon 38 of the CARS2 protein (p.Arg38Cys). This variant is not present in population databases (gnomAD no frequency). This variant has not been reported in the literature in individuals affected with CARS2-related conditions. ClinVar contains an entry for this variant (Variation ID: 1357117). An algorithm developed to predict the effect of missense changes on protein structure and function (PolyPhen-2) suggests that this variant is likely to be disruptive. In summary, the available evidence is currently insufficient to determine the role of this variant in disease. Therefore, it has been classified as a Variant of Uncertain Significance.

Neuberg Centre For Genomic Medicine, NCGM
Classification: Uncertain significance for Combined oxidative phosphorylation defect type 27. Review status: criteria provided, single submitter. Criteria: ACMG Guidelines, 2015. Collection method: clinical testing. Allele origin: germline. Inheritance: Autosomal recessive inheritance. Affected: yes.
Comment: The missense c.112C>T (p.Arg38Cys) variant in the CARS2 gene has not been reported previously as a pathogenic variant nor as a benign variant, to our knowledge. The variant is absent in gnomAD Exomes. This variant has been reported to the ClinVar database as Uncertain Significance. However, no details are available for independent assessment. The amino acid Arginine at position 38 is changed to a Cystine changing protein sequence and it might alter its composition and physico-chemical properties. Computational evidence (Polyphen - Benign, SIFT - Damaging and MutationTaster - Polymorphism) predicts conflicting evidence on protein structure and function for this variant. The amino acid Arginine in CARS2 is predicted as conserved by GERP++ and PhyloP across 100 vertebrates. For these reasons, this variant has been classified as Uncertain Significance.